The following is an entry in ClinVar:

ClinVar aggregate classification (germline): Uncertain significance (1 of 4 stars; one submission).

Submission:

GeneDx
Classification: Uncertain significance. Last evaluated: 2023-08-04. Review status: criteria provided, single submitter. Criteria: GeneDx Variant Classification Process June 2021. Collection method: clinical testing. Allele origin: germline. Affected: yes.
Comment: Not observed in large population cohorts (gnomAD); In silico analysis supports that this missense variant has a deleterious effect on protein structure/function; Has not been previously published as pathogenic or benign to our knowledge

NM_000823.4(GHRHR):c.313T>C (p.Phe105Leu)

Gene: GHRHR (growth hormone releasing hormone receptor; plus strand). Cytogenetic location: 7p14.3.
Variant type: single nucleotide variant.
Coding change: c.313T>C on transcript NM_000823.4 (MANE Select); coding-DNA position 313, T replaced by C.
Protein change: p.Phe105Leu; replaces phenylalanine 105 with leucine.
Molecular consequence: missense variant.
Genome position (GRCh38, 1-based): chr7:30,969,911, T>C. VCF-style: chr7-30969911-T-C. GRCh37 (hg19) VCF-style: chr7-31009526-T-C.
Other names: short protein forms F105L.
Identifiers: ClinVar variation 1314386 (VCV001314386.4), dbSNP rs1198348108, ClinGen allele CA367150184.